The following is an entry in ClinVar:

NM_032977.4(CASP10):c.441G>A (p.Met147Ile)

Gene: CASP10 (caspase 10; plus strand). Cytogenetic location: 2q33.1.
Variant type: single nucleotide variant.
Coding change: c.441G>A on transcript NM_032977.4 (MANE Select); coding-DNA position 441, G replaced by A.
Protein change: p.Met147Ile; replaces methionine 147 with isoleucine.
Molecular consequence: missense variant.
Genome position (GRCh38, 1-based): chr2:201,187,799, G>A. VCF-style: chr2-201187799-G-A. GRCh37 (hg19) VCF-style: chr2-202052522-G-A.
Other names: c.441G>A, p.Met147Ile (NM_001206524.2, NM_001206542.2, NM_001230.5 and 3 more transcripts); short protein forms M147I.
Identifiers: ClinVar variation 2948343 (VCV002948343.3), dbSNP rs2469367759, ClinGen allele CA350278324.

ClinVar aggregate classification (germline): Uncertain significance (1 of 4 stars; one submission).

Conditions:
Autoimmune lymphoproliferative syndrome type 2A (ALPS2A). Also called: Autoimmune lymphoproliferative syndrome type 2; CASP10-Related Autoimmune Lymphoproliferative Syndrome; AUTOIMMUNE LYMPHOPROLIFERATIVE SYNDROME, TYPE IIA. Identifiers: Orphanet 3261, MedGen C1858968, MONDO:0011383, OMIM 603909.

Submission:

Labcorp Genetics (formerly Invitae), Labcorp
Classification: Uncertain significance for Autoimmune lymphoproliferative syndrome type 2A. Last evaluated: 2023-05-29. Review status: criteria provided, single submitter. Criteria: Invitae Variant Classification Sherloc (09022015). Collection method: clinical testing. Allele origin: germline.
Comment: This variant has not been reported in the literature in individuals affected with CASP10-related conditions. In summary, the available evidence is currently insufficient to determine the role of this variant in disease. Therefore, it has been classified as a Variant of Uncertain Significance. Variants that disrupt the consensus splice site are a relatively common cause of aberrant splicing (PMID: 17576681, 9536098). Algorithms developed to predict the effect of sequence changes on RNA splicing suggest that this variant may disrupt the consensus splice site. An algorithm developed to predict the effect of missense changes on protein structure and function (PolyPhen-2) suggests that this variant is likely to be tolerated. This variant is not present in population databases (gnomAD no frequency). This sequence change replaces methionine, which is neutral and non-polar, with isoleucine, which is neutral and non-polar, at codon 147 of the CASP10 protein (p.Met147Ile). This variant also falls at the last nucleotide of exon 3, which is part of the consensus splice site for this exon.

Literature cited by the submitters: PubMed 17576681; PubMed 9536098.